The following is an entry in ClinVar:

ClinVar aggregate classification (germline): Uncertain significance. Review status: criteria provided, single submitter (1 of 4 stars). 2 submissions from 2 submitters: Uncertain significance (1). 1 of the submissions does not count toward it. Last evaluated 2021-06-17.

Conditions:
PEX12-related disorder. Also called: PEX12-related disorders; PEX12-related condition.
Peroxisome biogenesis disorder 3A (Zellweger). Also called: PEROXISOMAL BIOGENESIS DISORDER 3A (ZELLWEGER); Peroxisome biogenesis disorder 3A. Identifiers: Orphanet 912, MedGen C3553929, MONDO:0013927, OMIM 614859.

Allele frequency attached by ClinVar (database versions not stated): TOPMed 0.00001; ESP Exome Variant Server 0.00008; gnomAD exomes below 0.00001; ExAC 0.00001; gnomAD 0.00001.

Submissions (2):

Labcorp Genetics (formerly Invitae), Labcorp
Classification: Uncertain significance for Peroxisome biogenesis disorder 3A (Zellweger). Last evaluated: 2021-06-17. Review status: criteria provided, single submitter. Criteria: Invitae Variant Classification Sherloc (09022015). Collection method: clinical testing. Allele origin: germline.
Comment: This variant is present in population databases (rs371014792, ExAC 0.002%). In summary, the available evidence is currently insufficient to determine the role of this variant in disease. Therefore, it has been classified as a Variant of Uncertain Significance. Algorithms developed to predict the effect of missense changes on protein structure and function are either unavailable or do not agree on the potential impact of this missense change (SIFT: "Tolerated"; PolyPhen-2: "Probably Damaging"; Align-GVGD: "Class C0"). This variant has not been reported in the literature in individuals with PEX12-related conditions. This sequence change replaces glycine with arginine at codon 107 of the PEX12 protein (p.Gly107Arg). The glycine residue is highly conserved and there is a moderate physicochemical difference between glycine and arginine.

PreventionGenetics, part of Exact Sciences
Classification: Uncertain significance for PEX12-related condition. Last evaluated: 2024-04-17. Review status: no assertion criteria provided. Collection method: clinical testing. Allele origin: germline. Not counted in ClinVar's aggregate classification.
Comment: The PEX12 c.319G>C variant is predicted to result in the amino acid substitution p.Gly107Arg. To our knowledge, this variant has not been reported in the literature or in a large population database, indicating this variant is rare. At this time, the clinical significance of this variant is uncertain due to the absence of conclusive functional and genetic evidence.

NM_000286.3(PEX12):c.319G>C (p.Gly107Arg)

Gene: PEX12 (peroxisomal biogenesis factor 12; minus strand). Cytogenetic location: 17q12.
Variant type: single nucleotide variant.
Coding change: c.319G>C on transcript NM_000286.3 (MANE Select); coding-DNA position 319, G replaced by C.
Protein change: p.Gly107Arg; replaces glycine 107 with arginine.
Molecular consequence: missense variant.
Genome position (GRCh38, 1-based): chr17:35,577,399, C>G on the plus strand (G>C on the coding strand, the complement: PEX12 is on the minus strand). VCF-style: chr17-35577399-C-G. GRCh37 (hg19) VCF-style: chr17-33904418-C-G.
Other names: c.319G>C (NM_000286.2); short protein forms G107R.
Identifiers: ClinVar variation 1060709 (VCV001060709.10), dbSNP rs371014792, ClinGen allele CA8504923.
Genomic context (GRCh38, chr17:35,577,399, plus strand): 5'-TCAGATAGGGAAGAAGAACCAGGAACATAATAGATTTCCAAAGCTGCTGCTTTGGGAGAC[C>G]AGCACTAGCCAATCTCTGAGACTTGTGAGTGTCCCCCATTACAATTCTCTTTAAGCCGTA-3'
Protein context (NP_000277.1, residues 97-117): THKSQRLASA[Gly107Arg]LPKQQLWKSI